The following is an entry in ClinVar:

ClinVar aggregate classification (germline): Uncertain significance. Review status: criteria provided, multiple submitters, no conflicts (2 of 4 stars). 2 submissions from 2 submitters: Uncertain significance (2). Last evaluated 2025-04-12.

Conditions:
Inborn genetic diseases. Identifiers: MedGen C0950123, MeSH D030342.
MHC class I deficiency. Identifiers: Orphanet 34592, MedGen C6024714, MONDO:0011476.

Allele frequency attached by ClinVar (database versions not stated): ExAC 0.00001; gnomAD 0.00001; gnomAD exomes 0.00001; TOPMed 0.00002.
gnomAD v4.1: 19 of 1,612,988 alleles (0.0012%); highest among the groups gnomAD compares: Admixed American, 0.0067%; no homozygotes.

Submissions (2):

Ambry Genetics
Classification: Uncertain significance for Inborn genetic diseases. Last evaluated: 2025-04-12. Review status: criteria provided, single submitter. Criteria: Ambry Variant Classification Scheme 2023. Collection method: clinical testing. Allele origin: germline.

Labcorp Genetics (formerly Invitae), Labcorp
Classification: Uncertain significance for MHC class I deficiency 1. Last evaluated: 2021-09-12. Review status: criteria provided, single submitter. Criteria: Invitae Variant Classification Sherloc (09022015). Collection method: clinical testing. Allele origin: germline.
Comment: This sequence change replaces alanine with proline at codon 802 of the TAP1 protein (p.Ala802Pro). The alanine residue is moderately conserved and there is a small physicochemical difference between alanine and proline. This variant is present in population databases (rs746330769, ExAC 0.009%). This variant has not been reported in the literature in individuals affected with TAP1-related conditions. Algorithms developed to predict the effect of missense changes on protein structure and function are either unavailable or do not agree on the potential impact of this missense change (SIFT: "Tolerated"; PolyPhen-2: "Possibly Damaging"; Align-GVGD: "Class C0"). In summary, the available evidence is currently insufficient to determine the role of this variant in disease. Therefore, it has been classified as a Variant of Uncertain Significance.

NM_000593.6(TAP1):c.2224G>C (p.Ala742Pro)

Genes: PSMB8-AS1 (PSMB8 antisense RNA 1; plus strand), TAP1 (transporter 1, ATP binding cassette subfamily B member; minus strand). Cytogenetic location: 6p21.32.
Variant type: single nucleotide variant.
Coding change: c.2224G>C on transcript NM_000593.6 (MANE Select); coding-DNA position 2224, G replaced by C.
Protein change: p.Ala742Pro; replaces alanine 742 with proline.
Molecular consequence: missense variant. On other transcripts: non-coding transcript variant (4).
Genome position (GRCh38, 1-based): chr6:32,845,602, C>G on the plus strand (G>C on the coding strand, the complement: TAP1 is on the minus strand). VCF-style: chr6-32845602-C-G. GRCh37 (hg19) VCF-style: chr6-32813379-C-G.
Other names: c.2404G>C (NM_000593.5); c.1621G>C, p.Ala541Pro (NM_001292022.2); short protein forms A541P, A742P.
Identifiers: ClinVar variation 1512962 (VCV001512962.4), dbSNP rs746330769, ClinGen allele CA3746562.